The following is an entry in ClinVar:

ClinVar aggregate classification (germline): Uncertain significance (1 of 4 stars; one submission).

Conditions:
Neurofibromatosis, type 1 (NF1). Also called: VON RECKLINGHAUSEN DISEASE; Peripheral type neurofibromatosis; Neurofibromatosis, type I; NEUROFIBROMATOSIS, TYPE I, SOMATIC. Identifiers: Orphanet 636, MedGen C0027831, MONDO:0018975, OMIM 162200. Disease mechanism: loss of function.

Submission:

Labcorp Genetics (formerly Invitae), Labcorp
Classification: Uncertain significance for Neurofibromatosis, type 1. Last evaluated: 2025-12-31. Review status: criteria provided, single submitter. Criteria: Invitae Variant Classification Sherloc (09022015). Collection method: clinical testing. Allele origin: germline.
Comment: This sequence change replaces leucine, which is neutral and non-polar, with valine, which is neutral and non-polar, at codon 216 of the NF1 protein (p.Leu216Val). This variant is not present in population databases (gnomAD no frequency). This variant has not been reported in the literature in individuals affected with NF1-related conditions. ClinVar contains an entry for this variant (Variation ID: 1346265). Invitae Evidence Modeling of protein sequence and biophysical properties (such as structural, functional, and spatial information, amino acid conservation, physicochemical variation, residue mobility, and thermodynamic stability) indicates that this missense variant is expected to disrupt NF1 protein function with a positive predictive value of 95%. This variant disrupts the p.Leu216 amino acid residue in NF1. Other variant(s) that disrupt this residue have been determined to be pathogenic (PMID: 10712197, 17726231, 27617404; internal data). This suggests that this residue is clinically significant, and that variants that disrupt this residue are likely to be disease-causing. In summary, the available evidence is currently insufficient to determine the role of this variant in disease. Therefore, it has been classified as a Variant of Uncertain Significance.

Literature cited by the submitters: PubMed 10712197; PubMed 17726231; PubMed 27617404.

NM_001042492.3(NF1):c.646C>G (p.Leu216Val)

Gene: NF1 (neurofibromin 1; plus strand). Cytogenetic location: 17q11.2.
Variant type: single nucleotide variant.
Coding change: c.646C>G on transcript NM_001042492.3 (MANE Select); coding-DNA position 646, C replaced by G.
Protein change: p.Leu216Val; replaces leucine 216 with valine.
Molecular consequence: missense variant.
Genome position (GRCh38, 1-based): chr17:31,181,481, C>G. VCF-style: chr17-31181481-C-G. GRCh37 (hg19) VCF-style: chr17-29508499-C-G.
Other names: c.646C>G, p.Leu216Val (NM_000267.4, NM_001128147.3); short protein forms L216V.
Identifiers: ClinVar variation 1346265 (VCV001346265.6), dbSNP rs1597658201, ClinGen allele CA398989480.